The following is an entry in ClinVar:

ClinVar aggregate classification (germline): Likely pathogenic (1 of 4 stars; one submission).

Submission:

GeneDx
Classification: Likely pathogenic. Last evaluated: 2019-03-11. Review status: criteria provided, single submitter. Criteria: GeneDx Variant Classification (06012015). Collection method: clinical testing. Allele origin: germline. Affected: yes.
Comment: The C352X likely pathogenic variant in the TNXB gene has not been reported as a pathogenic or benign to our knowledge. This variant is predicted to cause loss of normal protein function either by protein truncation or nonsense-mediated mRNA decay. Biallelic variants in the TNXB gene that result in complete tenascin deficiency have been reported in Human Gene Mutation Database in association with autosomal recessive classical-like EDS (clEDS) (Stenson et al., 2014; Malfait et al., 2017). Though TNXB haploinsufficiency due to heterozygous loss of function variants has been reported in association with joint hypermobility (Zweers et al., 2003), the causal effect remains to be definitively established due to the possible contribution of other genetic and environmental factors. Nevertheless, the C352X variant is not observed in large population cohorts (Lek et al., 2016). In summary, C352X in the TNXB gene is interpreted as a likely pathogenic variant.

NM_001365276.2(TNXB):c.1056C>A (p.Cys352Ter)

Gene: TNXB (tenascin XB; minus strand). Cytogenetic location: 6p21.33.
Variant type: single nucleotide variant.
Coding change: c.1056C>A on transcript NM_001365276.2 (MANE Select); coding-DNA position 1056, C replaced by A.
Protein change: p.Cys352Ter; replaces cysteine 352 with a stop codon.
Molecular consequence: nonsense.
Genome position (GRCh38, 1-based): chr6:32,096,797, G>T on the plus strand (C>A on the coding strand, the complement: TNXB is on the minus strand). VCF-style: chr6-32096797-G-T. GRCh37 (hg19) VCF-style: chr6-32064574-G-T.
Other names: c.1056C>A, p.Cys352Ter (NM_019105.8); short protein forms C352*.
Identifiers: ClinVar variation 816989 (VCV000816989.1), dbSNP rs759259512, ClinGen allele CA363483997.